The following is an entry in ClinVar:

NC_000002.12:g.(?_47790917)_(47808387_?)dup

Genes: FBXO11 (F-box protein 11; minus strand), MSH6 (mutS homolog 6; plus strand). Cytogenetic location: 2p16.3.
Variant type: Duplication.
Identifiers: ClinVar variation 832907 (VCV000832907.1).

ClinVar aggregate classification (germline): Uncertain significance (1 of 4 stars; one submission).

Conditions:
Hereditary nonpolyposis colorectal neoplasms. Identifiers: MedGen C0009405, MeSH D003123.

Submission:

Labcorp Genetics (formerly Invitae), Labcorp
Classification: Uncertain significance for Hereditary nonpolyposis colon cancer. Last evaluated: 2019-11-25. Review status: criteria provided, single submitter. Criteria: Invitae Variant Classification Sherloc (09022015). Collection method: clinical testing. Allele origin: germline.
Comment: This variant results in a copy number gain of the genomic region encompassing exons 2-10 of the MSH6 gene. The 5' boundary is likely confined to intron 1. The 3' end of this event is unknown as it extends beyond the assayed region for this gene and therefore may encompass additional genes. As the precise location of this event is unknown, it may be in tandem or it may be located elsewhere in the genome. This variant has not been reported in the literature in individuals with MSH6-related conditions. In summary, the available evidence is currently insufficient to determine the role of this variant in disease. Therefore, it has been classified as a Variant of Uncertain Significance.